The following is an entry in ClinVar:

ClinVar aggregate classification (germline): Uncertain significance. Review status: criteria provided, multiple submitters, no conflicts (2 of 4 stars). 2 submissions from 2 submitters: Uncertain significance (2). Last evaluated 2024-10-18.

Conditions:
Myofibrillar myopathy 5. Also called: Filaminopathy (type); FILAMINOPATHY, AUTOSOMAL DOMINANT. Identifiers: Orphanet 171445, MedGen C1836050, MONDO:0012289, OMIM 609524.
Hypertrophic cardiomyopathy 26. Also called: Cardiomyopathy, familial hypertrophic, 26. Identifiers: Orphanet 75249, MedGen C4310749, MONDO:0014883, OMIM 617047.
Distal myopathy with posterior leg and anterior hand involvement. Also called: WILLIAMS DISTAL MYOPATHY. Identifiers: Orphanet 63273, MedGen C3279722, MONDO:0013550, OMIM 614065.

Allele frequency attached by ClinVar (database versions not stated): gnomAD exomes below 0.00001 and 0.00002.

Submissions (2):

Blueprint Genetics
Classification: Uncertain significance. Last evaluated: 2024-10-18. Review status: criteria provided, single submitter. Criteria: ACMG Guidelines, 2015. Collection method: clinical testing. Allele origin: germline.

Labcorp Genetics (formerly Invitae), Labcorp
Classification: Uncertain significance for Distal myopathy with posterior leg and anterior hand involvement; Myofibrillar myopathy 5; Hypertrophic cardiomyopathy 26. Last evaluated: 2024-04-10. Review status: criteria provided, single submitter. Criteria: Invitae Variant Classification Sherloc (09022015). Collection method: clinical testing. Allele origin: germline.
Comment: This sequence change replaces proline, which is neutral and non-polar, with serine, which is neutral and polar, at codon 174 of the FLNC protein (p.Pro174Ser). This variant is present in population databases (no rsID available, gnomAD 0.0009%). This variant has not been reported in the literature in individuals affected with FLNC-related conditions. ClinVar contains an entry for this variant (Variation ID: 642156). Advanced modeling of protein sequence and biophysical properties (such as structural, functional, and spatial information, amino acid conservation, physicochemical variation, residue mobility, and thermodynamic stability) has been performed at Invitae for this missense variant, however the output from this modeling did not meet the statistical confidence thresholds required to predict the impact of this variant on FLNC protein function. In summary, the available evidence is currently insufficient to determine the role of this variant in disease. Therefore, it has been classified as a Variant of Uncertain Significance.

NM_001458.5(FLNC):c.520C>T (p.Pro174Ser)

Gene: FLNC (filamin C; plus strand). Cytogenetic location: 7q32.1.
Variant type: single nucleotide variant.
Coding change: c.520C>T on transcript NM_001458.5 (MANE Select); coding-DNA position 520, C replaced by T.
Protein change: p.Pro174Ser; replaces proline 174 with serine.
Molecular consequence: missense variant.
Genome position (GRCh38, 1-based): chr7:128,835,493, C>T. VCF-style: chr7-128835493-C-T. GRCh37 (hg19) VCF-style: chr7-128475547-C-T.
Other names: c.520C>T, p.Pro174Ser (NM_001127487.2); short protein forms P174S.
Identifiers: ClinVar variation 642156 (VCV000642156.10), dbSNP rs1350019040, ClinGen allele CA369219512.